The following is an entry in ClinVar:

NM_006721.4(ADK):c.273+10T>A

Gene: ADK (adenosine kinase; plus strand). Cytogenetic location: 10q22.2.
Variant type: single nucleotide variant.
Coding change: c.273+10T>A on transcript NM_006721.4 (MANE Select); 10 bases into the intron after coding-DNA position 273, T replaced by A.
Molecular consequence: intron variant.
Genome position (GRCh38, 1-based): chr10:74,314,755, T>A. VCF-style: chr10-74314755-T-A. GRCh37 (hg19) VCF-style: chr10-76074513-T-A.
Other names: c.273+10T>A (NM_001369123.1, NM_001202450.2, NM_006721.3); c.222+10T>A (NM_001123.4, NM_001369124.1); c.168+10T>A (NM_001202449.2).
Identifiers: ClinVar variation 1613825 (VCV001613825.10), dbSNP rs779328407, ClinGen allele CA5563912.
Genomic context (GRCh38, chr10:74,314,755, plus strand): 5'-GTCGAATATCATGCTGGTGGCTCTACCCAGAATTCAATTAAAGTGGCTCAGGTTGGTTAA[T>A]TATTTTAAAAGTTAAAAGGATTCAAAATGATTCTAGACCCATGTCTATTTTGCATAATTG-3'

ClinVar aggregate classification (germline): Likely benign. Review status: criteria provided, single submitter (1 of 4 stars). 2 submissions from 2 submitters: Likely benign (1). 1 of the submissions does not count toward it. Last evaluated 2025-10-02.

Conditions:
ADK-related disorder. Also called: ADK-related condition.

Allele frequency attached by ClinVar (database versions not stated): gnomAD 0.00007 and 0.00008; ExAC 0.00009; gnomAD exomes 0.00009 and 0.00012; TOPMed 0.00009.
gnomAD v4.1: 149 of 1,591,602 alleles (0.0094%); highest among the groups gnomAD compares: Middle Eastern, 0.15%; no homozygotes.

Submissions (2):

Labcorp Genetics (formerly Invitae), Labcorp
Classification: Likely benign. Last evaluated: 2025-10-02. Review status: criteria provided, single submitter. Criteria: Invitae Variant Classification Sherloc (09022015). Collection method: clinical testing. Allele origin: germline.

PreventionGenetics, part of Exact Sciences
Classification: Likely benign for ADK-related condition. Last evaluated: 2019-09-17. Review status: no assertion criteria provided. Collection method: clinical testing. Allele origin: germline. Not counted in ClinVar's aggregate classification.
Comment: This variant is classified as likely benign based on ACMG/AMP sequence variant interpretation guidelines (Richards et al. 2015 PMID: 25741868, with internal and published modifications).